The following is an entry in ClinVar:

ClinVar aggregate classification (germline): Uncertain significance. Review status: criteria provided, multiple submitters, no conflicts (2 of 4 stars). 2 submissions from 2 submitters: Uncertain significance (2). Last evaluated 2026-01-20.

Conditions:
Paget disease of bone 2, early-onset (PDB2). Also called: Paget disease of bone 2. Identifiers: MedGen C4085251, MONDO:0011183, OMIM 602080.
Frontotemporal dementia and/or amyotrophic lateral sclerosis 1 (FTDALS1). Also called: Frontotemporal dementia with motor neuron disease 1; C9orf72 Frontotemporal Dementia and/or Amyotrophic Lateral Sclerosis. Identifiers: Orphanet 275872, MedGen C5779877, MONDO:0007105, OMIM 105550.
Inborn genetic diseases. Identifiers: MedGen C0950123, MeSH D030342.

Allele frequency attached by ClinVar (database versions not stated): gnomAD exomes below 0.00001 and 0.00001; ExAC 0.00001; TOPMed 0.00002; gnomAD 0.00003 and 0.00004; ESP Exome Variant Server 0.00015.
gnomAD v4.1: 17 of 1,613,970 alleles (0.0011%); highest among the groups gnomAD compares: African/African-American, 0.0053%; no homozygotes.

Submissions (2):

Ambry Genetics
Classification: Uncertain significance for Inborn genetic diseases. Last evaluated: 2026-01-20. Review status: criteria provided, single submitter. Criteria: Ambry Variant Classification Scheme 2023. Collection method: clinical testing. Allele origin: germline.

Labcorp Genetics (formerly Invitae), Labcorp
Classification: Uncertain significance for Paget disease of bone 2, early-onset; Frontotemporal dementia and/or amyotrophic lateral sclerosis 1. Last evaluated: 2026-01-07. Review status: criteria provided, single submitter. Criteria: Invitae Variant Classification Sherloc (09022015). Collection method: clinical testing. Allele origin: germline.
Comment: This sequence change replaces valine, which is neutral and non-polar, with alanine, which is neutral and non-polar, at codon 240 of the SQSTM1 protein (p.Val240Ala). This variant is present in population databases (rs142719499, gnomAD 0.02%). This missense change has been observed in individual(s) with amyotrophic lateral sclerosis (PMID: 39122262). ClinVar contains an entry for this variant (Variation ID: 1431538). Invitae Evidence Modeling of protein sequence and biophysical properties (such as structural, functional, and spatial information, amino acid conservation, physicochemical variation, residue mobility, and thermodynamic stability) indicates that this missense variant is not expected to disrupt SQSTM1 protein function with a negative predictive value of 80%. In summary, the available evidence is currently insufficient to determine the role of this variant in disease. Therefore, it has been classified as a Variant of Uncertain Significance.

Literature cited by the submitters: PubMed 39122262 (cited by Labcorp Genetics (formerly Invitae), Labcorp).

NM_003900.5(SQSTM1):c.719T>C (p.Val240Ala)

Gene: SQSTM1 (sequestosome 1; plus strand). Cytogenetic location: 5q35.3.
Variant type: single nucleotide variant.
Coding change: c.719T>C on transcript NM_003900.5 (MANE Select); coding-DNA position 719, T replaced by C.
Protein change: p.Val240Ala; replaces valine 240 with alanine.
Molecular consequence: missense variant.
Genome position (GRCh38, 1-based): chr5:179,825,191, T>C. VCF-style: chr5-179825191-T-C. GRCh37 (hg19) VCF-style: chr5-179252191-T-C.
Other names: c.467T>C, p.Val156Ala (NM_001142298.2, NM_001142299.2); c.719T>C (NM_003900.4); short protein forms V240A, V156A.
Identifiers: ClinVar variation 1431538 (VCV001431538.8), dbSNP rs142719499, ClinGen allele CA3600628.